The following is an entry in ClinVar:

ClinVar aggregate classification (germline): Uncertain significance (1 of 4 stars; one submission).

Submission:

Labcorp Genetics (formerly Invitae), Labcorp
Classification: Uncertain significance. Last evaluated: 2025-10-12. Review status: criteria provided, single submitter. Criteria: Invitae Variant Classification Sherloc (09022015). Collection method: clinical testing. Allele origin: germline.
Comment: This sequence change replaces cysteine, which is neutral and slightly polar, with arginine, which is basic and polar, at codon 208 of the P2RY12 protein (p.Cys208Arg). This variant is not present in population databases (gnomAD no frequency). This variant has not been reported in the literature in individuals affected with P2RY12-related conditions. ClinVar contains an entry for this variant (Variation ID: 3724341). An algorithm developed to predict the effect of missense changes on protein structure and function (PolyPhen-2) suggests that this variant is likely to be disruptive. In summary, the available evidence is currently insufficient to determine the role of this variant in disease. Therefore, it has been classified as a Variant of Uncertain Significance.

NM_022788.5(P2RY12):c.622T>C (p.Cys208Arg)

Genes: P2RY12 (purinergic receptor P2Y12; minus strand), MED12L (mediator complex subunit 12L; plus strand). Cytogenetic location: 3q25.1.
Variant type: single nucleotide variant.
Coding change: c.622T>C on transcript NM_022788.5 (MANE Select); coding-DNA position 622, T replaced by C.
Protein change: p.Cys208Arg; replaces cysteine 208 with arginine.
Molecular consequence: missense variant. On other transcripts: intron variant (2).
Genome position (GRCh38, 1-based): chr3:151,338,224, A>G on the plus strand (T>C on the coding strand, the complement: P2RY12 is on the minus strand). VCF-style: chr3-151338224-A-G. GRCh37 (hg19) VCF-style: chr3-151056012-A-G.
Other names: c.622T>C, p.Cys208Arg (NM_176876.3); c.2251-11835A>G (NM_001393769.1); c.2146-11835A>G (NM_053002.6); short protein forms C208R.
Identifiers: ClinVar variation 3724341 (VCV003724341.2).